The following is an entry in ClinVar:

NM_021828.5(HPSE2):c.1763C>A (p.Ala588Asp)

Gene: HPSE2 (heparanase 2 (inactive); minus strand). Cytogenetic location: 10q24.2.
Variant type: single nucleotide variant.
Coding change: c.1763C>A on transcript NM_021828.5 (MANE Select); coding-DNA position 1763, C replaced by A.
Protein change: p.Ala588Asp; replaces alanine 588 with aspartic acid.
Molecular consequence: missense variant. On other transcripts: 3 prime UTR variant (1).
Genome position (GRCh38, 1-based): chr10:98,459,590, G>T on the plus strand (C>A on the coding strand, the complement: HPSE2 is on the minus strand). VCF-style: chr10-98459590-G-T. GRCh37 (hg19) VCF-style: chr10-100219347-G-T.
Other names: c.1589C>A, p.Ala530Asp (NM_001166244.1); c.1427C>A, p.Ala476Asp (NM_001166245.1); c.*186C>A (NM_001166246.1); short protein forms A530D, A476D, A588D.
Identifiers: ClinVar variation 3106882 (VCV003106882.2), dbSNP rs769652941, ClinGen allele CA5639566.

ClinVar aggregate classification (germline): Uncertain significance. Review status: criteria provided, multiple submitters, no conflicts (2 of 4 stars). 2 submissions from 2 submitters: Uncertain significance (2). Last evaluated 2025-06-02.

Conditions:
Inborn genetic diseases. Identifiers: MedGen C0950123, MeSH D030342.
HPSE2-related disorder. Also called: HPSE2-related condition.

Allele frequency attached by ClinVar (database versions not stated): TOPMed below 0.00001; ExAC 0.00001; gnomAD 0.00001; gnomAD exomes 0.00002.
gnomAD v4.1: 31 of 1,614,022 alleles (0.0019%); highest among the groups gnomAD compares: Non-Finnish European, 0.0024%; no homozygotes.

Submissions (2):

PreventionGenetics, part of Exact Sciences
Classification: Uncertain significance for HPSE2-related condition. Last evaluated: 2025-06-02. Review status: criteria provided, single submitter. Criteria: ACMG Guidelines, 2015. Collection method: clinical testing. Allele origin: germline.
Comment: The HPSE2 c.1763C>A variant is predicted to result in the amino acid substitution p.Ala588Asp. To our knowledge, this variant has not been reported in the literature. This variant is reported in 0.0035% of alleles in individuals of European (non-Finnish) descent in gnomAD. At this time, the clinical significance of this variant is uncertain due to the absence of conclusive functional and genetic evidence.

Ambry Genetics
Classification: Uncertain significance for Inborn genetic diseases. Last evaluated: 2024-02-13. Review status: criteria provided, single submitter. Criteria: Ambry Variant Classification Scheme 2023. Collection method: clinical testing. Allele origin: germline.